The following is an entry in ClinVar:

ClinVar aggregate classification (germline): Likely benign. Review status: criteria provided, multiple submitters, no conflicts (2 of 4 stars). 2 submissions from 2 submitters: Likely benign (2). Last evaluated 2025-08-18.

Conditions:
Benign neonatal seizures. Also called: Benign familial neonatal epilepsy; Benign familial neonatal seizures; Benign neonatal familial convulsions; Convulsions benign familial neonatal dominant form; Autosomal dominant form of benign neonatal seizures. Identifiers: Orphanet 1949, MedGen C0220669, MONDO:0016027.

gnomAD v4.1: 2 of 1,614,150 alleles (0.00012%); highest among the groups gnomAD compares: Non-Finnish European, 0.00017%; no homozygotes.

Submissions (2):

Labcorp Genetics (formerly Invitae), Labcorp
Classification: Likely benign for Benign neonatal seizures. Last evaluated: 2025-08-18. Review status: criteria provided, single submitter. Criteria: Invitae Variant Classification Sherloc (09022015). Collection method: clinical testing. Allele origin: germline.

CeGaT Center for Human Genetics Tuebingen
Classification: Likely benign. Last evaluated: 2023-02-01. Review status: criteria provided, single submitter. Criteria: CeGaT Center For Human Genetics Tuebingen Variant Classification Criteria Version 2. Collection method: clinical testing. Allele origin: germline. Affected: yes. Observed: 1 variant allele.
Comment: KCNQ3: PM2:Supporting, BP4, BP7

NM_004519.4(KCNQ3):c.2193G>A (p.Gln731=)

Gene: KCNQ3 (potassium voltage-gated channel subfamily Q member 3; minus strand). Cytogenetic location: 8q24.22.
Variant type: single nucleotide variant.
Coding change: c.2193G>A on transcript NM_004519.4 (MANE Select); coding-DNA position 2193, G replaced by A.
Protein change: p.Gln731=; no amino-acid change (glutamine 731 retained).
Molecular consequence: synonymous variant.
Genome position (GRCh38, 1-based): chr8:132,129,688, C>T on the plus strand (G>A on the coding strand, the complement: KCNQ3 is on the minus strand). VCF-style: chr8-132129688-C-T. GRCh37 (hg19) VCF-style: chr8-133141935-C-T.
Other names: c.1833G>A, p.Gln611= (NM_001204824.2).
Identifiers: ClinVar variation 2040172 (VCV002040172.27), dbSNP rs1824796261, ClinGen allele CA463214931.
Genomic context (GRCh38, chr8:132,129,688, plus strand): 5'-CAAGATAGGCAGGACCGTGGGCCTCTCCACATACGTTGTTGCTGAGGAAGGAGGAGTTGC[C>T]TGAACCTTTCCAGAACTGGGTCCCCCTCGGGGCAGGTTCACAGGGTCATGTGCAAAAAAC-3'
Protein context (NP_004510.1, residues 721-741): PRGGPSSGKV[Gln731=]ATPPSSATTY